The following is an entry in ClinVar:

ClinVar aggregate classification (germline): Uncertain significance (1 of 4 stars; one submission).

Conditions:
Focal segmental glomerulosclerosis 5 (FSGS5). Identifiers: Orphanet 656, MedGen C2750475, MONDO:0013191, OMIM 613237.
Charcot-Marie-Tooth disease dominant intermediate E. Also called: CHARCOT-MARIE-TOOTH NEUROPATHY WITH FOCAL SEGMENTAL GLOMERULONEPHRITIS. Identifiers: Orphanet 93114, MedGen C4302667, MONDO:0013758, OMIM 614455.

Allele frequency attached by ClinVar (database versions not stated): gnomAD exomes below 0.00001.

Submission:

Labcorp Genetics (formerly Invitae), Labcorp
Classification: Uncertain significance for Charcot-Marie-Tooth disease dominant intermediate E; Focal segmental glomerulosclerosis 5. Last evaluated: 2022-04-28. Review status: criteria provided, single submitter. Criteria: Invitae Variant Classification Sherloc (09022015). Collection method: clinical testing. Allele origin: germline.
Comment: This sequence change replaces alanine, which is neutral and non-polar, with valine, which is neutral and non-polar, at codon 418 of the INF2 protein (p.Ala418Val). This variant is not present in population databases (gnomAD no frequency). This variant has not been reported in the literature in individuals affected with INF2-related conditions. Algorithms developed to predict the effect of missense changes on protein structure and function (SIFT, PolyPhen-2, Align-GVGD) all suggest that this variant is likely to be tolerated. Algorithms developed to predict the effect of sequence changes on RNA splicing suggest that this variant may disrupt the consensus splice site. In summary, the available evidence is currently insufficient to determine the role of this variant in disease. Therefore, it has been classified as a Variant of Uncertain Significance.

NM_022489.4(INF2):c.1253C>T (p.Ala418Val)

Gene: INF2 (inverted formin 2; plus strand). Cytogenetic location: 14q32.33.
Variant type: single nucleotide variant.
Coding change: c.1253C>T on transcript NM_022489.4 (MANE Select); coding-DNA position 1253, C replaced by T.
Protein change: p.Ala418Val; replaces alanine 418 with valine.
Molecular consequence: missense variant.
Genome position (GRCh38, 1-based): chr14:104,707,520, C>T. VCF-style: chr14-104707520-C-T. GRCh37 (hg19) VCF-style: chr14-105173857-C-T.
Other names: c.1253C>T, p.Ala418Val (NM_001031714.4); short protein forms A418V.
Identifiers: ClinVar variation 2066364 (VCV002066364.4), dbSNP rs2541918569, ClinGen allele CA391216335.
Genomic context (GRCh38, chr14:104,707,520, plus strand): 5'-ACCACGCCCAGAGTGAGAGCATCCTGAAAGTTTCGCAGCCCAGAGCCCTGGAGCAGCAGG[C>T]GTCCACCCCACCCCCACCCCCACCCCCACCCCTGCTCCCTGGTTCCAGTGCCGAGCCCCC-3'
Protein context (NP_071934.3, residues 408-428): VSQPRALEQQ[Ala418Val]STPPPPPPPP